The following is an entry in ClinVar:

ClinVar aggregate classification (germline): Pathogenic (1 of 4 stars; one submission).

Submission:

GeneDx
Classification: Pathogenic. Last evaluated: 2022-09-07. Review status: criteria provided, single submitter. Criteria: GeneDx Variant Classification Process June 2021. Collection method: clinical testing. Allele origin: germline. Affected: yes.
Comment: Nonsense variant predicted to result in protein truncation or nonsense mediated decay in a gene for which loss of function is a known mechanism of disease; Not observed at significant frequency in large population cohorts (gnomAD); This variant is associated with the following publications: (PMID: 27759909)

NM_001197104.2(KMT2A):c.2455C>T (p.Gln819Ter)

Gene: KMT2A (lysine methyltransferase 2A; plus strand). Cytogenetic location: 11q23.3.
Variant type: single nucleotide variant.
Coding change: c.2455C>T on transcript NM_001197104.2 (MANE Select); coding-DNA position 2455, C replaced by T.
Protein change: p.Gln819Ter; replaces glutamine 819 with a stop codon.
Molecular consequence: nonsense.
Genome position (GRCh38, 1-based): chr11:118,473,614, C>T. VCF-style: chr11-118473614-C-T. GRCh37 (hg19) VCF-style: chr11-118344329-C-T.
Other names: c.2554C>T, p.Gln852Ter (NM_001412597.1); c.2455C>T, p.Gln819Ter (NM_005933.4); short protein forms Q819*, Q852*.
Identifiers: ClinVar variation 2443638 (VCV002443638.1), dbSNP rs2134268900, ClinGen allele CA382815433.
Genomic context (GRCh38, chr11:118,473,614, plus strand): 5'-CCTTCTCATTCCCTGACTCAGTCTGGGGAATCTGCAGAGAAAAATCAGAGACCAAGGAAG[C>T]AGACTAGTGCTCCGGCAGAGCCATTTTCATCAAGTAGTCCTACTCCTCTCTTCCCTTGGT-3'